The following is an entry in ClinVar:

NM_018975.4(TERF2IP):c.416C>G (p.Ala139Gly)

Gene: TERF2IP (TERF2 interacting protein; plus strand). Cytogenetic location: 16q23.1.
Variant type: single nucleotide variant.
Coding change: c.416C>G on transcript NM_018975.4 (MANE Select); coding-DNA position 416, C replaced by G.
Protein change: p.Ala139Gly; replaces alanine 139 with glycine.
Molecular consequence: missense variant. On other transcripts: non-coding transcript variant (1).
Genome position (GRCh38, 1-based): chr16:75,648,298, C>G. VCF-style: chr16-75648298-C-G. GRCh37 (hg19) VCF-style: chr16-75682196-C-G.
Other names: short protein forms A139G.
Identifiers: ClinVar variation 1738400 (VCV001738400.2), dbSNP rs1444150026, ClinGen allele CA396817857.

ClinVar aggregate classification (germline): Uncertain significance (1 of 4 stars; one submission).

Submission:

Ambry Genetics
Classification: Uncertain significance. Last evaluated: 2022-07-05. Review status: criteria provided, single submitter. Criteria: Ambry Variant Classification Scheme 2023. Collection method: clinical testing. Allele origin: germline.
Comment: The p.A139G variant (also known as c.416C>G), located in coding exon 1 of the TERF2IP gene, results from a C to G substitution at nucleotide position 416. The alanine at codon 139 is replaced by glycine, an amino acid with similar properties. This amino acid position is conserved. In addition, this alteration is predicted to be tolerated by in silico analysis. Since supporting evidence is limited at this time, the clinical significance of this alteration remains unclear.